The following is an entry in ClinVar:

NM_006767.4(LZTR1):c.1886T>G (p.Val629Gly)

Gene: LZTR1 (leucine zipper like post translational regulator 1; plus strand). Cytogenetic location: 22q11.21.
Variant type: single nucleotide variant.
Coding change: c.1886T>G on transcript NM_006767.4 (MANE Select); coding-DNA position 1886, T replaced by G.
Protein change: p.Val629Gly; replaces valine 629 with glycine.
Molecular consequence: missense variant.
Genome position (GRCh38, 1-based): chr22:20,994,970, T>G. VCF-style: chr22-20994970-T-G. GRCh37 (hg19) VCF-style: chr22-21349259-T-G.
Other names: short protein forms V629G.
Identifiers: ClinVar variation 4859379 (VCV004859379.1).

ClinVar aggregate classification (germline): Uncertain significance (1 of 4 stars; one submission).

Conditions:
Cardiovascular phenotype. Identifiers: MedGen CN230736.
Hereditary cancer-predisposing syndrome. Also called: Neoplastic Syndromes, Hereditary; Tumor predisposition; Hereditary Cancer Syndrome; Hereditary neoplastic syndrome. Identifiers: Orphanet 140162, MedGen C0027672, MeSH D009386, MONDO:0015356.

Submission:

Ambry Genetics
Classification: Uncertain significance for Cardiovascular phenotype; Hereditary cancer-predisposing syndrome. Last evaluated: 2026-04-11. Review status: criteria provided, single submitter. Criteria: Ambry Variant Classification Scheme 2023. Collection method: clinical testing. Allele origin: germline.
Comment: The p.V629G variant (also known as c.1886T>G), located in coding exon 16 of the LZTR1 gene, results from a T to G substitution at nucleotide position 1886. The valine at codon 629 is replaced by glycine, an amino acid with dissimilar properties. This amino acid position is conserved. In addition, this alteration is predicted to be deleterious by in silico analysis. Based on the available evidence, the clinical significance of this variant remains unclear.